The following is an entry in ClinVar:

NM_001378477.3(NYX):c.652G>C (p.Ala218Pro)

Gene: NYX (nyctalopin; plus strand). Cytogenetic location: Xp11.4.
Variant type: single nucleotide variant.
Coding change: c.652G>C on transcript NM_001378477.3 (MANE Select); coding-DNA position 652, G replaced by C.
Protein change: p.Ala218Pro; replaces alanine 218 with proline.
Molecular consequence: missense variant.
Genome position (GRCh38, 1-based): chrX:41,474,120, G>C. VCF-style: chrX-41474120-G-C. GRCh37 (hg19) VCF-style: chrX-41333373-G-C.
Other names: c.652G>C, p.Ala218Pro (NM_022567.3); short protein forms A218P.
Identifiers: ClinVar variation 1020246 (VCV001020246.8), dbSNP rs2064377039, ClinGen allele CA412990988.

ClinVar aggregate classification (germline): Uncertain significance (1 of 4 stars; one submission).

Submission:

Labcorp Genetics (formerly Invitae), Labcorp
Classification: Uncertain significance. Last evaluated: 2020-08-04. Review status: criteria provided, single submitter. Criteria: Invitae Variant Classification Sherloc (09022015). Collection method: clinical testing. Allele origin: germline.
Comment: Algorithms developed to predict the effect of missense changes on protein structure and function (SIFT, PolyPhen-2, Align-GVGD) all suggest that this variant is likely to be tolerated, but these predictions have not been confirmed by published functional studies and their clinical significance is uncertain. This sequence change replaces alanine with proline at codon 223 of the NYX protein (p.Ala223Pro). The alanine residue is moderately conserved and there is a small physicochemical difference between alanine and proline. The frequency data for this variant in the population databases is considered unreliable, as metrics indicate insufficient coverage at this position in the ExAC database. This variant has not been reported in the literature in individuals with NYX-related conditions. In summary, the available evidence is currently insufficient to determine the role of this variant in disease. Therefore, it has been classified as a Variant of Uncertain Significance.